The following is an entry in ClinVar:

ClinVar aggregate classification (germline): Likely benign. Review status: criteria provided, multiple submitters, no conflicts (2 of 4 stars). 3 submissions from 3 submitters: Likely benign (3). Last evaluated 2025-09-01.

Conditions:
Inborn genetic diseases. Identifiers: MedGen C0950123, MeSH D030342.

Allele frequency attached by ClinVar (database versions not stated): ExAC 0.00002; gnomAD exomes 0.00004; gnomAD 0.00006; ESP Exome Variant Server 0.00008; TOPMed 0.00008.
gnomAD v4.1: 212 of 1,613,902 alleles (0.013%); highest among the groups gnomAD compares: Non-Finnish European, 0.016%; no homozygotes.

Submissions (3):

CeGaT Center for Human Genetics Tuebingen
Classification: Likely benign. Last evaluated: 2025-09-01. Review status: criteria provided, single submitter. Criteria: CeGaT Center For Human Genetics Tuebingen Variant Classification Criteria Version 2. Collection method: clinical testing. Allele origin: germline. Affected: yes. Observed: 2 variant alleles.
Comment: TGM6: BP4, BP7

Ambry Genetics
Classification: Likely benign for Inborn genetic diseases. Last evaluated: 2025-08-09. Review status: criteria provided, single submitter. Criteria: Ambry Variant Classification Scheme 2023. Collection method: clinical testing. Allele origin: germline.

Labcorp Genetics (formerly Invitae), Labcorp
Classification: Likely benign. Last evaluated: 2024-02-09. Review status: criteria provided, single submitter. Criteria: Invitae Variant Classification Sherloc (09022015). Collection method: clinical testing. Allele origin: germline.

NM_198994.3(TGM6):c.1968C>T (p.Asp656=)

Gene: TGM6 (transglutaminase 6; plus strand). Cytogenetic location: 20p13.
Variant type: single nucleotide variant.
Coding change: c.1968C>T on transcript NM_198994.3 (MANE Select); coding-DNA position 1968, C replaced by T.
Protein change: p.Asp656=; no amino-acid change (aspartic acid 656 retained).
Molecular consequence: synonymous variant. On other transcripts: missense variant (1).
Genome position (GRCh38, 1-based): chr20:2,432,490, C>T. VCF-style: chr20-2432490-C-T. GRCh37 (hg19) VCF-style: chr20-2413136-C-T.
Other names: c.1834C>T, p.Arg612Cys (NM_001254734.2); short protein forms R612C.
Identifiers: ClinVar variation 791663 (VCV000791663.50), dbSNP rs141258102, ClinGen allele CA9732263.
Genomic context (GRCh38, chr20:2,432,490, plus strand): 5'-GCCAGACTCAGAATGGCAAGAGGACTGACAGTCTGCCTTTCTCCCCTCCCCTTCCTCCAG[C>T]GTGCCTACCCTGGAGCCTCAGGAGAGGGCCTCAGTCCAGTTTGACATCACCCCCTCCAAA-3'
Protein context (NP_945345.2, residues 646-666): SGLLQEQLSI[Asp656=]VPTLEPQERA